The following is an entry in ClinVar:

ClinVar aggregate classification (germline): Uncertain significance. Review status: criteria provided, multiple submitters, no conflicts (2 of 4 stars). 2 submissions from 2 submitters: Uncertain significance (2). Last evaluated 2025-10-07.

Conditions:
Inborn genetic diseases. Identifiers: MedGen C0950123, MeSH D030342.

gnomAD v4.1: 5 of 1,612,968 alleles (0.00031%); highest among the groups gnomAD compares: South Asian, 0.0022%; no homozygotes.

Submissions (2):

Ambry Genetics
Classification: Uncertain significance for Inborn genetic diseases. Last evaluated: 2025-10-07. Review status: criteria provided, single submitter. Criteria: Ambry Variant Classification Scheme 2023. Collection method: clinical testing. Allele origin: germline.

Labcorp Genetics (formerly Invitae), Labcorp
Classification: Uncertain significance. Last evaluated: 2022-03-18. Review status: criteria provided, single submitter. Criteria: Invitae Variant Classification Sherloc (09022015). Collection method: clinical testing. Allele origin: germline.
Comment: This sequence change replaces methionine, which is neutral and non-polar, with valine, which is neutral and non-polar, at codon 300 of the KIAA0753 protein (p.Met300Val). This variant is present in population databases (rs747045906, gnomAD 0.003%). This variant has not been reported in the literature in individuals affected with KIAA0753-related conditions. Algorithms developed to predict the effect of missense changes on protein structure and function output the following: SIFT: "Tolerated"; PolyPhen-2: "Benign"; Align-GVGD: "Class C0". The valine amino acid residue is found in multiple mammalian species, which suggests that this missense change does not adversely affect protein function. In summary, the available evidence is currently insufficient to determine the role of this variant in disease. Therefore, it has been classified as a Variant of Uncertain Significance.

NM_014804.3(KIAA0753):c.898A>G (p.Met300Val)

Gene: KIAA0753 (KIAA0753; minus strand). Cytogenetic location: 17p13.1.
Variant type: single nucleotide variant.
Coding change: c.898A>G on transcript NM_014804.3 (MANE Select); coding-DNA position 898, A replaced by G.
Protein change: p.Met300Val; replaces methionine 300 with valine.
Molecular consequence: missense variant. On other transcripts: initiator codon variant (1), non-coding transcript variant (3).
Genome position (GRCh38, 1-based): chr17:6,623,088, T>C on the plus strand (A>G on the coding strand, the complement: KIAA0753 is on the minus strand). VCF-style: chr17-6623088-T-C. GRCh37 (hg19) VCF-style: chr17-6526408-T-C.
Other names: c.1A>G, p.Met1Val (NM_001351225.2); c.898A>G (NM_014804.2); short protein forms M300V, M1V.
Identifiers: ClinVar variation 2112192 (VCV002112192.6), dbSNP rs747045906, ClinGen allele CA8330658.
Genomic context (GRCh38, chr17:6,623,088, plus strand): 5'-GAGTGACAAACATCTGTAAGGCCCGAATGGCTCCTCGATGGGCAGCCGCCAGCTTAGACA[T>C]TGCCCATGACTGGTAATAAACAAGATGAGAGAAGTTATTTCCATACTCAGAACTTGCTAA-3'
Protein context (NP_055619.2, residues 290-310): KIKHTKKSWA[Met300Val]SKLAAAHRGA